The following is an entry in ClinVar:

ClinVar aggregate classification (germline): Benign (1 of 4 stars; one submission).

Allele frequency attached by ClinVar (database versions not stated): 1000 Genomes Project 0.43930; 1000 Genomes Project 30x 0.44472; gnomAD 0.52900; gnomAD exomes 0.53340; TOPMed 0.53402.
gnomAD v4.1: 93,830 of 176,776 alleles (53%); highest among the groups gnomAD compares: Admixed American, 65%; 26,427 homozygotes.

Submission:

Unidad de Genómica Garrahan, Hospital de Pediatría Garrahan
Classification: Benign. Last evaluated: 2024-01-24. Review status: criteria provided, single submitter. Criteria: ACMG Guidelines, 2015. Collection method: clinical testing. Allele origin: germline. Affected: no. Observed: 83 variant alleles.
Comment: This variant is classified as Benign based on local population frequency. This variant was detected in 87% of patients studied by a panel of primary immunodeficiencies. Number of patients: 83. Only high quality variants are reported.

NM_006235.3(POU2AF1):c.16+1247T>C

Gene: POU2AF1 (POU class 2 homeobox associating factor 1; minus strand). Cytogenetic location: 11q23.1.
Variant type: single nucleotide variant.
Coding change: c.16+1247T>C on transcript NM_006235.3 (MANE Select); 1247 bases into the intron after coding-DNA position 16, T replaced by C.
Molecular consequence: intron variant.
Genome position (GRCh38, 1-based): chr11:111,377,915, A>G on the plus strand (T>C on the coding strand, the complement: POU2AF1 is on the minus strand). VCF-style: chr11-111377915-A-G. GRCh37 (hg19) VCF-style: chr11-111248640-A-G.
Identifiers: ClinVar variation 2687953 (VCV002687953.2), dbSNP rs4283016, ClinGen allele CA13497658.